The following is an entry in ClinVar:

ClinVar aggregate classification (germline): Uncertain significance. Review status: criteria provided, multiple submitters, no conflicts (2 of 4 stars). 3 submissions from 3 submitters: Uncertain significance (3). Last evaluated 2026-02-16.

Conditions:
Familial adenomatous polyposis 3. Also called: NTHL1-Related Adenomatous Polyposis and Colorectal Cancer; NTHL1-associated polyposis; NTHL1-related attenuated familial adenomatous polyposis; NTHL1 Tumor Syndrome. Identifiers: Orphanet 220460, Orphanet 454840, MedGen C4225157, MONDO:0014630, OMIM 616415.
Hereditary cancer-predisposing syndrome. Also called: Tumor predisposition; Neoplastic Syndromes, Hereditary; Hereditary Cancer Syndrome; Hereditary neoplastic syndrome. Identifiers: Orphanet 140162, MedGen C0027672, MeSH D009386, MONDO:0015356.

gnomAD v4.1: 1 of 1,613,738 alleles (0.000062%); highest among the groups gnomAD compares: Non-Finnish European, 0.000085%; no homozygotes.

Submissions (3):

Ambry Genetics
Classification: Uncertain significance for Hereditary cancer-predisposing syndrome. Last evaluated: 2026-02-16. Review status: criteria provided, single submitter. Criteria: Ambry Variant Classification Scheme 2023. Collection method: clinical testing. Allele origin: germline.
Comment: The p.W269C variant (also known as c.807G>C), located in coding exon 5 of the NTHL1 gene, results from a G to C substitution at nucleotide position 807. The tryptophan at codon 269 is replaced by cysteine, an amino acid with highly dissimilar properties. This amino acid position is highly conserved in available vertebrate species. In addition, this alteration is predicted to be deleterious by in silico analysis. Based on the available evidence, the clinical significance of this variant remains unclear.

Labcorp Genetics (formerly Invitae), Labcorp
Classification: Uncertain significance. Last evaluated: 2025-03-16. Review status: criteria provided, single submitter. Criteria: Invitae Variant Classification Sherloc (09022015). Collection method: clinical testing. Allele origin: germline.
Comment: This sequence change replaces tryptophan, which is neutral and slightly polar, with cysteine, which is neutral and slightly polar, at codon 269 of the NTHL1 protein (p.Trp269Cys). This variant is not present in population databases (gnomAD no frequency). This variant has not been reported in the literature in individuals affected with NTHL1-related conditions. ClinVar contains an entry for this variant (Variation ID: 1400424). An algorithm developed to predict the effect of missense changes on protein structure and function (PolyPhen-2) suggests that this variant is likely to be disruptive. In summary, the available evidence is currently insufficient to determine the role of this variant in disease. Therefore, it has been classified as a Variant of Uncertain Significance.

Baylor Genetics
Classification: Uncertain significance for Familial adenomatous polyposis 3. Last evaluated: 2023-11-15. Review status: criteria provided, single submitter. Criteria: ACMG Guidelines, 2015. Collection method: clinical testing. Allele origin: unknown.

NM_002528.7(NTHL1):c.783G>C (p.Trp261Cys)

Gene: NTHL1 (nth like DNA glycosylase 1; minus strand). Cytogenetic location: 16p13.3.
Variant type: single nucleotide variant.
Coding change: c.783G>C on transcript NM_002528.7 (MANE Select); coding-DNA position 783, G replaced by C.
Protein change: p.Trp261Cys; replaces tryptophan 261 with cysteine.
Molecular consequence: missense variant.
Genome position (GRCh38, 1-based): chr16:2,040,141, C>G on the plus strand (G>C on the coding strand, the complement: NTHL1 is on the minus strand). VCF-style: chr16-2040141-C-G. GRCh37 (hg19) VCF-style: chr16-2090142-C-G.
Other names: c.612G>C, p.Trp204Cys (NM_001318193.2); c.453G>C, p.Trp151Cys (NM_001318194.2); c.807G>C (NM_002528.5); short protein forms W204C, W261C, W151C.
Identifiers: ClinVar variation 1400424 (VCV001400424.8), dbSNP rs765738378, ClinGen allele CA394288647.
Genomic context (GRCh38, chr16:2,040,141, plus strand): 5'-AGGGCGGGCGGGGTGAGCTCTTCTCCCTAGGAAGCCCCCCACATACTCATACCTAGGCAG[C>G]CACTCCTCCAGGGCGGCGCGGGTCTCCTCTGGGGACTTGGTTGCCTTCTTGGTCCACCTC-3'
Protein context (NP_002519.2, residues 251-271): PEETRAALEE[Trp261Cys]LPRELWHEIN